The following is an entry in ClinVar:

NM_000426.4(LAMA2):c.3446G>A (p.Arg1149Gln)

Gene: LAMA2 (laminin subunit alpha 2; plus strand). Cytogenetic location: 6q22.33.
Variant type: single nucleotide variant.
Coding change: c.3446G>A on transcript NM_000426.4 (MANE Select); coding-DNA position 3446, G replaced by A.
Protein change: p.Arg1149Gln; replaces arginine 1149 with glutamine.
Molecular consequence: missense variant.
Genome position (GRCh38, 1-based): chr6:129,314,689, G>A. VCF-style: chr6-129314689-G-A. GRCh37 (hg19) VCF-style: chr6-129635834-G-A.
Other names: c.3446G>A, p.Arg1149Gln (NM_001079823.2); short protein forms R1149Q.
Identifiers: ClinVar variation 543861 (VCV000543861.5), dbSNP rs993626938, ClinGen allele CA146913342.

ClinVar aggregate classification (germline): Uncertain significance. Review status: criteria provided, multiple submitters, no conflicts (2 of 4 stars). 2 submissions from 2 submitters: Uncertain significance (2). Last evaluated 2024-12-26.

Conditions:
LAMA2-related muscular dystrophy (LAMA2-RD). Also called: Laminin alpha 2-related dystrophy. Identifiers: MedGen C5679788, MONDO:0100228.

Allele frequency attached by ClinVar (database versions not stated): gnomAD 0.00001 and 0.00002; gnomAD exomes 0.00001 and 0.00002; TOPMed 0.00002.
gnomAD v4.1: 13 of 1,613,674 alleles (0.00081%); highest among the groups gnomAD compares: Admixed American, 0.0067%; no homozygotes.

Submissions (2):

Revvity Omics, Revvity
Classification: Uncertain significance. Last evaluated: 2024-12-26. Review status: criteria provided, single submitter. Criteria: ACMG Guidelines, 2015. Collection method: clinical testing. Allele origin: germline.

Labcorp Genetics (formerly Invitae), Labcorp
Classification: Uncertain significance for LAMA2-related muscular dystrophy. Last evaluated: 2021-10-15. Review status: criteria provided, single submitter. Criteria: Invitae Variant Classification Sherloc (09022015). Collection method: clinical testing. Allele origin: germline.
Comment: This sequence change replaces arginine with glutamine at codon 1149 of the LAMA2 protein (p.Arg1149Gln). The arginine residue is weakly conserved and there is a small physicochemical difference between arginine and glutamine. This variant is not present in population databases (ExAC no frequency). This variant has not been reported in the literature in individuals affected with LAMA2-related conditions. Algorithms developed to predict the effect of missense changes on protein structure and function output the following: SIFT: "Tolerated"; PolyPhen-2: "Benign"; Align-GVGD: "Class C0". The glutamine amino acid residue is found in multiple mammalian species, which suggests that this missense change does not adversely affect protein function. In summary, the available evidence is currently insufficient to determine the role of this variant in disease. Therefore, it has been classified as a Variant of Uncertain Significance.